The following is an entry in ClinVar:

ClinVar aggregate classification (germline): Uncertain significance (1 of 4 stars; one submission).

gnomAD v4.1: 5 of 1,613,716 alleles (0.00031%); highest among the groups gnomAD compares: Admixed American, 0.0067%; no homozygotes.

Submission:

Labcorp Genetics (formerly Invitae), Labcorp
Classification: Uncertain significance. Last evaluated: 2025-11-03. Review status: criteria provided, single submitter. Criteria: Invitae Variant Classification Sherloc (09022015). Collection method: clinical testing. Allele origin: germline.
Comment: This sequence change replaces histidine, which is basic and polar, with tyrosine, which is neutral and polar, at codon 376 of the SLCO5A1 protein (p.His376Tyr). This variant is present in population databases (no rsID available, gnomAD 0.009%). This variant has not been reported in the literature in individuals affected with SLCO5A1-related conditions. ClinVar contains an entry for this variant (Variation ID: 3615285). An algorithm developed to predict the effect of missense changes on protein structure and function (PolyPhen-2) suggests that this variant is likely to be tolerated. In summary, the available evidence is currently insufficient to determine the role of this variant in disease. Therefore, it has been classified as a Variant of Uncertain Significance.

NM_030958.3(SLCO5A1):c.1126C>T (p.His376Tyr)

Gene: SLCO5A1 (solute carrier organic anion transporter family member 5A1; minus strand). Cytogenetic location: 8q13.3.
Variant type: single nucleotide variant.
Coding change: c.1126C>T on transcript NM_030958.3 (MANE Select); coding-DNA position 1126, C replaced by T.
Protein change: p.His376Tyr; replaces histidine 376 with tyrosine.
Molecular consequence: missense variant.
Genome position (GRCh38, 1-based): chr8:69,755,556, G>A on the plus strand (C>T on the coding strand, the complement: SLCO5A1 is on the minus strand). VCF-style: chr8-69755556-G-A. GRCh37 (hg19) VCF-style: chr8-70667791-G-A.
Other names: c.1126C>T, p.His376Tyr (NM_001146008.2, NM_001146009.1); short protein forms H376Y.
Identifiers: ClinVar variation 3615285 (VCV003615285.2).
Genomic context (GRCh38, chr8:69,755,556, plus strand): 5'-TCAGAACATCGTCATCACTAACAGCATCAACAGAAAATTTTTTCTTTTTCTTTTTCTTGT[G>A]TCGAGGTGGAAGCTTTTTTGGGAAAGTAAACATTGGGAATATCACAAGAAACATTGCAAT-3'
Protein context (NP_112220.2, residues 366-386): FTFPKKLPPR[His376Tyr]KKKKKKKFSV